The following is an entry in ClinVar:

ClinVar aggregate classification (germline): Likely benign (0 of 4 stars; one submission).

Conditions:
PPARG-related disorder. Also called: PPARG-related disorders; PPARG-related condition.

gnomAD v4.1: 1 of 1,613,352 alleles (0.000062%); highest among the groups gnomAD compares: African/African-American, 0.0013%; no homozygotes.

Submission:

PreventionGenetics, part of Exact Sciences
Classification: Likely benign for PPARG-related condition. Last evaluated: 2024-01-30. Review status: no assertion criteria provided. Collection method: clinical testing. Allele origin: germline.
Comment: This variant is classified as likely benign based on ACMG/AMP sequence variant interpretation guidelines (Richards et al. 2015 PMID: 25741868, with internal and published modifications).

NM_138711.6(PPARG):c.288T>C (p.Pro96=)

Gene: PPARG (peroxisome proliferator activated receptor gamma; plus strand). Cytogenetic location: 3p25.2.
Variant type: single nucleotide variant.
Coding change: c.288T>C on transcript NM_138711.6 (MANE Select); coding-DNA position 288, T replaced by C.
Protein change: p.Pro96=; no amino-acid change (proline 96 retained).
Molecular consequence: synonymous variant. On other transcripts: 5 prime UTR variant (1).
Genome position (GRCh38, 1-based): chr3:12,381,389, T>C. VCF-style: chr3-12381389-T-C. GRCh37 (hg19) VCF-style: chr3-12422888-T-C.
Other names: c.288T>C, p.Pro96= (NM_001330615.4, NM_001354666.3, NM_001354667.3 and 6 more transcripts); c.378T>C, p.Pro126= (NM_001354668.2, NM_001374265.1, NM_015869.5); c.-140T>C (NM_001354669.2); c.294T>C, p.Pro98= (NM_001354670.2, NM_001374266.1).
Identifiers: ClinVar variation 3357661 (VCV003357661.1).
Genomic context (GRCh38, chr3:12,381,389, plus strand): 5'-CAAAGTGGAGCCTGCATCTCCACCTTATTATTCTGAGAAGACTCAGCTCTACAATAAGCC[T>C]CATGAAGAGCCTTCCAACTCCCTCATGGCAATTGAATGTCGTGTCTGTGGAGATAAAGCT-3'
Protein context (NP_619725.3, residues 86-106): YSEKTQLYNK[Pro96=]HEEPSNSLMA